The following is an entry in ClinVar:

NC_000002.11:g.(?_152482028)_(152566297_?)del

Gene: NEB (nebulin; minus strand). Cytogenetic location: 2q23.3.
Variant type: Deletion.
Identifiers: ClinVar variation 2424066 (VCV002424066.4).

ClinVar aggregate classification (germline): Pathogenic (1 of 4 stars; one submission).

Conditions:
Nemaline myopathy 2 (NEM2). Also called: Nemaline myopathy 2, autosomal recessive. Identifiers: MedGen C1850569, MONDO:0009725, OMIM 256030.

Submission:

Labcorp Genetics (formerly Invitae), Labcorp
Classification: Pathogenic for Nemaline myopathy 2. Last evaluated: 2021-11-02. Review status: criteria provided, single submitter. Criteria: Invitae Variant Classification Sherloc (09022015). Collection method: clinical testing. Allele origin: germline.
Comment: For these reasons, this variant has been classified as Pathogenic. This variant disrupts a region of the NEB protein in which other variant(s) (Deletion (Exon 55)) have been determined to be pathogenic (PMID: 15221447, 19232495, 23715096). This suggests that this is a clinically significant region of the protein, and that variants that disrupt it are likely to be disease-causing. This variant has not been reported in the literature in individuals affected with NEB-related conditions. This variant is a gross deletion of the genomic region encompassing exon(s) 12-71 of the NEB gene. This variant would be expected to be in-frame, preserving the integrity of the reading frame.

Literature cited by the submitters: PubMed 15221447; PubMed 19232495; PubMed 23715096.